The following is an entry in ClinVar:

ClinVar aggregate classification (germline): Uncertain significance (1 of 4 stars; one submission).

Conditions:
Neurofibromatosis, type 1 (NF1). Also called: Peripheral type neurofibromatosis; Neurofibromatosis, type I; VON RECKLINGHAUSEN DISEASE; NEUROFIBROMATOSIS, TYPE I, SOMATIC. Identifiers: Orphanet 636, MedGen C0027831, MONDO:0018975, OMIM 162200. Disease mechanism: loss of function.

Allele frequency attached by ClinVar (database versions not stated): gnomAD exomes below 0.00001.

Submission:

Labcorp Genetics (formerly Invitae), Labcorp
Classification: Uncertain significance for Neurofibromatosis, type 1. Last evaluated: 2025-12-17. Review status: criteria provided, single submitter. Criteria: Invitae Variant Classification Sherloc (09022015). Collection method: clinical testing. Allele origin: germline.
Comment: This sequence change replaces histidine, which is basic and polar, with arginine, which is basic and polar, at codon 393 of the NF1 protein (p.His393Arg). This variant is present in population databases (no rsID available, gnomAD 0.0009%). This variant has not been reported in the literature in individuals affected with NF1-related conditions. ClinVar contains an entry for this variant (Variation ID: 1414554). Invitae Evidence Modeling of protein sequence and biophysical properties (such as structural, functional, and spatial information, amino acid conservation, physicochemical variation, residue mobility, and thermodynamic stability) indicates that this missense variant is not expected to disrupt NF1 protein function with a negative predictive value of 95%. In summary, the available evidence is currently insufficient to determine the role of this variant in disease. Therefore, it has been classified as a Variant of Uncertain Significance.

NM_001042492.3(NF1):c.1178A>G (p.His393Arg)

Gene: NF1 (neurofibromin 1; plus strand). Cytogenetic location: 17q11.2.
Variant type: single nucleotide variant.
Coding change: c.1178A>G on transcript NM_001042492.3 (MANE Select); coding-DNA position 1178, A replaced by G.
Protein change: p.His393Arg; replaces histidine 393 with arginine.
Molecular consequence: missense variant.
Genome position (GRCh38, 1-based): chr17:31,201,152, A>G. VCF-style: chr17-31201152-A-G. GRCh37 (hg19) VCF-style: chr17-29528170-A-G.
Other names: c.1178A>G, p.His393Arg (NM_000267.4, NM_001128147.3); short protein forms H393R.
Identifiers: ClinVar variation 1414554 (VCV001414554.6), dbSNP rs199474769, ClinGen allele CA398997317.